The following is an entry in ClinVar:

NM_001165963.4(SCN1A):c.5917dup (p.Thr1973fs)

Genes: SCN1A (sodium voltage-gated channel alpha subunit 1; minus strand), LOC102724058 (uncharacterized LOC102724058; plus strand). Cytogenetic location: 2q24.3.
Variant type: Duplication.
Coding change: c.5917dup on transcript NM_001165963.4 (MANE Select); coding-DNA position 5917, one base duplicated (A; older notation c.5917dupA).
Protein change: p.Thr1973fs; shifts the reading frame from threonine 1973.
Molecular consequence: frameshift variant. On other transcripts: non-coding transcript variant (1).
Genome position (GRCh38, 1-based): chr2:165,991,358, T duplicated on the plus strand (A on the coding strand, the reverse complement: SCN1A is on the minus strand); the first of 6 consecutive T bases (chr2:165,991,358-165,991,363); duplicating any one gives the same sequence. VCF-style (leftmost placement, unchanged base first): chr2-165991357-G-GT. GRCh37 (hg19) VCF-style: chr2-166847867-G-GT.
Other names: c.5833dup, p.Thr1945fs (NM_001165964.3, NM_001353957.2, NM_001353958.2); c.5917dup, p.Thr1973fs (NM_001202435.3, NM_001353948.2); c.5884dup, p.Thr1962fs (NM_001353949.2, NM_001353950.2, NM_001353951.2 and 2 more transcripts); c.5881dup, p.Thr1961fs (NM_001353954.2, NM_001353955.2); c.5830dup, p.Thr1944fs (NM_001353960.2); c.3475dup, p.Thr1159fs (NM_001353961.2); short protein forms T1159fs, T1944fs, T1945fs, T1961fs, T1962fs, T1973fs.
Identifiers: ClinVar variation 1308709 (VCV001308709.3), dbSNP rs1480668529, ClinGen allele CA760207334.

ClinVar aggregate classification (germline): Uncertain significance. Review status: criteria provided, multiple submitters, no conflicts (2 of 4 stars). 2 submissions from 2 submitters: Uncertain significance (2). Last evaluated 2023-09-22.

Submissions (2):

Blueprint Genetics
Classification: Uncertain significance. Last evaluated: 2023-09-22. Review status: criteria provided, single submitter. Criteria: ACMG Guidelines, 2015. Collection method: clinical testing. Allele origin: germline.

GeneDx
Classification: Uncertain significance. Last evaluated: 2019-09-19. Review status: criteria provided, single submitter. Criteria: GeneDx Variant Classification Process June 2021. Collection method: clinical testing. Allele origin: germline. Affected: yes.
Comment: Not observed in large population cohorts (Lek et al., 2016); Frameshift variant predicted to result in protein truncation as the last 37 amino acids are lost and replaced with 1 incorrect amino acid, although loss-of-function variants have not been reported downstream of this position in the protein; Has not been previously published as pathogenic or benign to our knowledge